The following is an entry in ClinVar:

NM_015662.3(IFT172):c.2365C>G (p.Arg789Gly)

Gene: IFT172 (intraflagellar transport 172; minus strand). Cytogenetic location: 2p23.3.
Variant type: single nucleotide variant.
Coding change: c.2365C>G on transcript NM_015662.3 (MANE Select); coding-DNA position 2365, C replaced by G.
Protein change: p.Arg789Gly; replaces arginine 789 with glycine.
Molecular consequence: missense variant.
Genome position (GRCh38, 1-based): chr2:27,461,346, G>C on the plus strand (C>G on the coding strand, the complement: IFT172 is on the minus strand). VCF-style: chr2-27461346-G-C. GRCh37 (hg19) VCF-style: chr2-27684213-G-C.
Other names: p.Arg789Gly; short protein forms R789G.
Identifiers: ClinVar variation 1396521 (VCV001396521.7), dbSNP rs202024173, ClinGen allele CA346384191.

ClinVar aggregate classification (germline): Uncertain significance. Review status: criteria provided, multiple submitters, no conflicts (2 of 4 stars). 2 submissions from 2 submitters: Uncertain significance (2). Last evaluated 2023-02-13.

Conditions:
Short-rib thoracic dysplasia 10 with or without polydactyly (SRTD10). Identifiers: Orphanet 474, MedGen C3810175, MONDO:0014284, OMIM 615630.
Retinitis pigmentosa 71 (RP71). Identifiers: Orphanet 791, MedGen C4225342, MONDO:0014618, OMIM 616394.

gnomAD v4.1: 9 of 1,614,126 alleles (0.00056%); highest among the groups gnomAD compares: Non-Finnish European, 0.00076%; no homozygotes.

Submissions (2):

Mayo Clinic Laboratories, Mayo Clinic
Classification: Uncertain significance. Last evaluated: 2023-02-13. Review status: criteria provided, single submitter. Criteria: ACMG Guidelines, 2015. Collection method: clinical testing. Allele origin: germline. Observed: 1 variant allele.
Comment: BP4, PM2_supporting

Labcorp Genetics (formerly Invitae), Labcorp
Classification: Uncertain significance for Retinitis pigmentosa 71; Short-rib thoracic dysplasia 10 with or without polydactyly. Last evaluated: 2022-07-25. Review status: criteria provided, single submitter. Criteria: Invitae Variant Classification Sherloc (09022015). Collection method: clinical testing. Allele origin: germline.
Comment: This sequence change replaces arginine, which is basic and polar, with glycine, which is neutral and non-polar, at codon 789 of the IFT172 protein (p.Arg789Gly). This variant is not present in population databases (gnomAD no frequency). ClinVar contains an entry for this variant (Variation ID: 1396521). This variant has not been reported in the literature in individuals affected with IFT172-related conditions. In summary, the available evidence is currently insufficient to determine the role of this variant in disease. Therefore, it has been classified as a Variant of Uncertain Significance. Algorithms developed to predict the effect of missense changes on protein structure and function (SIFT, PolyPhen-2, Align-GVGD) all suggest that this variant is likely to be tolerated.